The following is an entry in ClinVar:

ClinVar aggregate classification (germline): Uncertain significance (1 of 4 stars; one submission).

Submission:

Labcorp Genetics (formerly Invitae), Labcorp
Classification: Uncertain significance. Last evaluated: 2025-11-05. Review status: criteria provided, single submitter. Criteria: Invitae Variant Classification Sherloc (09022015). Collection method: clinical testing. Allele origin: germline.
Comment: This sequence change replaces cysteine, which is neutral and slightly polar, with serine, which is neutral and polar, at codon 109 of the ALPK3 protein (p.Cys109Ser). This variant is not present in population databases (gnomAD no frequency). This variant has not been reported in the literature in individuals affected with ALPK3-related conditions. An algorithm developed to predict the effect of missense changes on protein structure and function (PolyPhen-2) suggests that this variant is likely to be tolerated. In summary, the available evidence is currently insufficient to determine the role of this variant in disease. Therefore, it has been classified as a Variant of Uncertain Significance.

NC_000015.10:g.84817171T>A

Gene: ALPK3 (alpha kinase 3; plus strand). Cytogenetic location: 15q25.3.
Variant type: single nucleotide variant.
Genome position: GRCh38 VCF-style: chr15-84817171-T-A. GRCh37 (hg19) VCF-style: chr15-85360402-T-A.
Identifiers: ClinVar variation 4772673 (VCV004772673.1).